The following is an entry in ClinVar:

ClinVar aggregate classification (germline): Pathogenic. Review status: reviewed by expert panel (3 of 4 stars). 2 submissions from 2 submitters: Pathogenic (1). 1 of the submissions does not count toward it. Last evaluated 2020-04-16.

Conditions:
Phenylketonuria (PKU). Also called: OLIGOPHRENIA PHENYLPYRUVICA; Phenylketonurias; FOLLING DISEASE; Phenylketonuria (PKU). Identifiers: Orphanet 716, MedGen C0031485, MONDO:0009861, OMIM 261600. Disease mechanism: loss of function.

Submissions (2):

ClinGen PAH Variant Curation Expert Panel
Classification: Pathogenic for Phenylketonuria. Last evaluated: 2020-04-16. Review status: reviewed by expert panel. Criteria: ClinGen PAH ACMG Specifications v1. Collection method: curation. Allele origin: germline. Inheritance: Autosomal recessive inheritance.
Comment: The c.590T>A (p.Leu197Ter) variant in PAH is a null variant (nonsense variant) in a gene where LOF is a known mechanism of disease, leading to premature truncation and NMD (PVS1). It is absent from ethnically diverse control databases, including gnomAD/ExAC, 1000 Genomes, and ESP (PM2). BH4 deficiency was formally excluded by urinary pterin analysis (PP4_Moderate). The patient was compound heterozygous for the variant (confirmed by parental testing) and carried it in trans with the p.R53H variant (VUS per ClinGen PAH working group) (0.25 points per SVI criteria for PM3, and thus insufficient to use PM3 at any strength). It is also reported pathogenic in Clinvar (ID 625288) variant by one lab, in a case with PKU; no further information is given.

Center for Molecular Medicine, Children’s Hospital of Fudan University
Classification: Pathogenic for Phenylketonuria. Last evaluated: 2019-03-08. Review status: no assertion criteria provided. Collection method: clinical testing. Allele origin: de novo. Affected: yes. Not counted in ClinVar's aggregate classification.

NM_000277.3(PAH):c.590T>A (p.Leu197Ter)

Gene: PAH (phenylalanine hydroxylase; minus strand). Cytogenetic location: 12q23.2.
Variant type: single nucleotide variant.
Coding change: c.590T>A on transcript NM_000277.3 (MANE Select); coding-DNA position 590, T replaced by A.
Protein change: p.Leu197Ter; replaces leucine 197 with a stop codon.
Molecular consequence: nonsense.
Genome position (GRCh38, 1-based): chr12:102,855,252, A>T on the plus strand (T>A on the coding strand, the complement: PAH is on the minus strand). VCF-style: chr12-102855252-A-T. GRCh37 (hg19) VCF-style: chr12-103249030-A-T.
Other names: c.590T>A, p.Leu197Ter (NM_001354304.2); short protein forms L197*.
Identifiers: ClinVar variation 625288 (VCV000625288.6), dbSNP rs886042078, ClinGen allele CA386296754.
Genomic context (GRCh38, chr12:102,855,252, plus strand): 5'-CAGTACTTTTCAAGAAGTGGAAAAATGTGATTGTACTCATAGCAAGCATGGGTTTTATAC[A>T]AGGACTTCAGAGTCTTGAACACTGTGCCCCATGTTTTCTTTTCTTCCTCCATGTATTCCA-3'